The following is an entry in ClinVar:

ClinVar aggregate classification (germline): Uncertain significance (1 of 4 stars; one submission).

Submission:

GeneDx
Classification: Uncertain significance. Last evaluated: 2023-03-02. Review status: criteria provided, single submitter. Criteria: GeneDx Variant Classification Process June 2021. Collection method: clinical testing. Allele origin: germline. Affected: yes.
Comment: Not observed at significant frequency in large population cohorts (gnomAD); In silico analysis supports that this missense variant does not alter protein structure/function; Has not been previously published as pathogenic or benign to our knowledge

NM_001009944.3(PKD1):c.12720G>C (p.Glu4240Asp)

Gene: PKD1 (polycystin 1, transient receptor potential channel interacting; minus strand). Cytogenetic location: 16p13.3.
Variant type: single nucleotide variant.
Coding change: c.12720G>C on transcript NM_001009944.3 (MANE Select); coding-DNA position 12720, G replaced by C.
Protein change: p.Glu4240Asp; replaces glutamic acid 4240 with aspartic acid.
Molecular consequence: missense variant.
Genome position (GRCh38, 1-based): chr16:2,089,919, C>G on the plus strand (G>C on the coding strand, the complement: PKD1 is on the minus strand). VCF-style: chr16-2089919-C-G. GRCh37 (hg19) VCF-style: chr16-2139920-C-G.
Other names: c.12717G>C, p.Glu4239Asp (NM_000296.4); short protein forms E4239D, E4240D.
Identifiers: ClinVar variation 2578167 (VCV002578167.1), dbSNP rs2544575223, ClinGen allele CA394320380.